The following is an entry in ClinVar:

NM_001376013.1(EPB41):c.2285C>T (p.Thr762Ile)

Gene: EPB41 (erythrocyte membrane protein band 4.1; plus strand). Cytogenetic location: 1p35.3.
Variant type: single nucleotide variant.
Coding change: c.2285C>T on transcript NM_001376013.1 (MANE Select); coding-DNA position 2285, C replaced by T.
Protein change: p.Thr762Ile; replaces threonine 762 with isoleucine.
Molecular consequence: missense variant.
Genome position (GRCh38, 1-based): chr1:29,097,907, C>T. VCF-style: chr1-29097907-C-T. GRCh37 (hg19) VCF-style: chr1-29424419-C-T.
Other names: p.Thr762Ile; c.2285C>T, p.Thr762Ile (NM_001166005.2); c.1496C>T, p.Thr499Ile (NM_001166007.2); c.2216C>T, p.Thr739Ile (NM_001376014.1); c.2180C>T, p.Thr727Ile (NM_001376015.1); c.1658C>T, p.Thr553Ile (NM_001376022.1); c.1559C>T, p.Thr520Ile (NM_004437.4); c.1616C>T, p.Thr539Ile (NM_203342.3); and 2 more; short protein forms T673I, T520I, T539I, T727I, T739I, T499I, T553I, T762I.
Identifiers: ClinVar variation 2080323 (VCV002080323.26), dbSNP rs146073770, ClinGen allele CA724778.

ClinVar aggregate classification (germline): Uncertain significance. Review status: criteria provided, multiple submitters, no conflicts (2 of 4 stars). 5 submissions from 5 submitters: Uncertain significance (5). Last evaluated 2026-01-24.

Conditions:
Elliptocytosis 1 (EL1). Also called: 4.1- TRAIT; 4.1-MINUS TRAIT; ELLIPTOCYTOSIS, RHESUS-LINKED TYPE; PROTEIN 4.1 OF ERYTHROCYTE MEMBRANE, DEFECT OF. Identifiers: Orphanet 288, MedGen C2678497, MONDO:0012731, OMIM 611804.

Allele frequency attached by ClinVar (database versions not stated): gnomAD exomes 0.00009; ExAC 0.00022; ESP Exome Variant Server 0.00038; gnomAD 0.00050; TOPMed 0.00058; 1000 Genomes Project 0.00120; 1000 Genomes Project 30x 0.00125.
gnomAD v4.1: 219 of 1,613,974 alleles (0.014%); highest among the groups gnomAD compares: African/African-American, 0.19%; no homozygotes.

Submissions (5):

Labcorp Genetics (formerly Invitae), Labcorp
Classification: Uncertain significance. Last evaluated: 2026-01-24. Review status: criteria provided, single submitter. Criteria: Invitae Variant Classification Sherloc (09022015). Collection method: clinical testing. Allele origin: germline.
Comment: This sequence change replaces threonine, which is neutral and polar, with isoleucine, which is neutral and non-polar, at codon 520 of the EPB41 protein (p.Thr520Ile). This variant is present in population databases (rs146073770, gnomAD 0.2%). This variant has not been reported in the literature in individuals affected with EPB41-related conditions. ClinVar contains an entry for this variant (Variation ID: 2080323). Invitae Evidence Modeling of protein sequence and biophysical properties (such as structural, functional, and spatial information, amino acid conservation, physicochemical variation, residue mobility, and thermodynamic stability) has been performed for this missense variant. However, the output from this modeling did not meet the statistical confidence thresholds required to predict the impact of this variant on EPB41 protein function. In summary, the available evidence is currently insufficient to determine the role of this variant in disease. Therefore, it has been classified as a Variant of Uncertain Significance.

Mayo Clinic Laboratories, Mayo Clinic
Classification: Uncertain significance. Last evaluated: 2025-03-18. Review status: criteria provided, single submitter. Criteria: ACMG Guidelines, 2015. Collection method: clinical testing. Allele origin: germline. Observed: 4 variant alleles.
Comment: PP3

Revvity Omics, Revvity
Classification: Uncertain significance for Elliptocytosis 1. Last evaluated: 2024-09-04. Review status: criteria provided, single submitter. Criteria: ACMG Guidelines, 2015. Collection method: clinical testing. Allele origin: germline.

CeGaT Center for Human Genetics Tuebingen
Classification: Uncertain significance. Last evaluated: 2024-07-01. Review status: criteria provided, single submitter. Criteria: CeGaT Center For Human Genetics Tuebingen Variant Classification Criteria Version 2. Collection method: clinical testing. Allele origin: germline. Affected: yes. Observed: 1 variant allele.
Comment: EPB41: PM2, PP3

ARUP Laboratories, Molecular Genetics and Genomics, ARUP Laboratories
Classification: Uncertain significance for Elliptocytosis 1. Last evaluated: 2023-05-13. Review status: criteria provided, single submitter. Criteria: ARUP Molecular Germline Variant Investigation Process 2024. Collection method: clinical testing. Allele origin: germline.